The following is an entry in ClinVar:

ClinVar aggregate classification (germline): Likely benign (0 of 4 stars; one submission).

Conditions:
CELSR2-related disorder. Also called: CELSR2-related condition.

Allele frequency attached by ClinVar (database versions not stated): TOPMed 0.00009; ExAC 0.00024; 1000 Genomes Project 0.00040; 1000 Genomes Project 30x 0.00047.
gnomAD v4.1: 426 of 1,575,774 alleles (0.027%); highest among the groups gnomAD compares: Non-Finnish European, 0.035%; no homozygotes.

Submission:

PreventionGenetics, part of Exact Sciences
Classification: Likely benign for CELSR2-related condition. Last evaluated: 2019-11-19. Review status: no assertion criteria provided. Collection method: clinical testing. Allele origin: germline.
Comment: This variant is classified as likely benign based on ACMG/AMP sequence variant interpretation guidelines (Richards et al. 2015 PMID: 25741868, with internal and published modifications).

NM_001408.3(CELSR2):c.3627A>G (p.Leu1209=)

Gene: CELSR2 (cadherin EGF LAG seven-pass G-type receptor 2; plus strand). Cytogenetic location: 1p13.3.
Variant type: single nucleotide variant.
Coding change: c.3627A>G on transcript NM_001408.3 (MANE Select); coding-DNA position 3627, A replaced by G.
Protein change: p.Leu1209=; no amino-acid change (leucine 1209 retained).
Molecular consequence: synonymous variant.
Genome position (GRCh38, 1-based): chr1:109,258,748, A>G. VCF-style: chr1-109258748-A-G. GRCh37 (hg19) VCF-style: chr1-109801370-A-G.
Identifiers: ClinVar variation 3048797 (VCV003048797.2), dbSNP rs199897779, ClinGen allele CA986981.
Genomic context (GRCh38, chr1:109,258,748, plus strand): 5'-GCCGCCAGGGCCCGGGGGCGGGCCGCCCTTCCTGCCCTCTGAGGACCTGCAGGAGCGCCT[A>G]TACCTCAACCGCAGCCTGCTGACGGCCATCTCGGCACAGCGCGTGCTGCCCTTCGACGAC-3'
Protein context (NP_001399.1, residues 1199-1219): FLPSEDLQER[Leu1209=]YLNRSLLTAI